The following is an entry in ClinVar:

ClinVar aggregate classification (germline): Uncertain significance (1 of 4 stars; one submission).

Conditions:
COG8-congenital disorder of glycosylation. Also called: COG8-CDG; CDG IIh. Identifiers: Orphanet 95428, MedGen C1970021, MONDO:0012635, OMIM 611182.

gnomAD v4.1: 47 of 1,584,078 alleles (0.003%); highest among the groups gnomAD compares: Middle Eastern, 0.019%; no homozygotes.

Submission:

Labcorp Genetics (formerly Invitae), Labcorp
Classification: Uncertain significance for COG8-congenital disorder of glycosylation. Last evaluated: 2025-07-20. Review status: criteria provided, single submitter. Criteria: Invitae Variant Classification Sherloc (09022015). Collection method: clinical testing. Allele origin: germline.
Comment: This sequence change replaces tyrosine, which is neutral and polar, with histidine, which is basic and polar, at codon 49 of the COG8 protein (p.Tyr49His). This variant is present in population databases (rs770325229, gnomAD 0.01%). This variant has not been reported in the literature in individuals affected with COG8-related conditions. Invitae Evidence Modeling of protein sequence and biophysical properties (such as structural, functional, and spatial information, amino acid conservation, physicochemical variation, residue mobility, and thermodynamic stability) indicates that this missense variant is expected to disrupt COG8 protein function with a positive predictive value of 80%. In summary, the available evidence is currently insufficient to determine the role of this variant in disease. Therefore, it has been classified as a Variant of Uncertain Significance.

NM_032382.5(COG8):c.145T>C (p.Tyr49His)

Gene: COG8 (component of oligomeric golgi complex 8; minus strand). Cytogenetic location: 16q22.1.
Variant type: single nucleotide variant.
Coding change: c.145T>C on transcript NM_032382.5 (MANE Select); coding-DNA position 145, T replaced by C.
Protein change: p.Tyr49His; replaces tyrosine 49 with histidine.
Molecular consequence: missense variant.
Genome position (GRCh38, 1-based): chr16:69,339,408, A>G on the plus strand (T>C on the coding strand, the complement: COG8 is on the minus strand). VCF-style: chr16-69339408-A-G. GRCh37 (hg19) VCF-style: chr16-69373311-A-G.
Other names: c.145T>C, p.Tyr49His (NM_001374871.1, NM_001379261.1, NM_001379262.1 and 4 more transcripts); short protein forms Y49H.
Identifiers: ClinVar variation 4750848 (VCV004750848.1).
Genomic context (GRCh38, chr16:69,339,408, plus strand): 5'-CCAGGCGCTCGGGCTCGCGCCGCAGCCGCTCCAGCCCCGAGCCGCTCAACTCCCGGAGGT[A>G]GCGGCCCACATCGGGCCGCTCGCGCCACTGGGCCTCGGGGAAGCGGTCCCGGAACAGCGA-3'
Protein context (NP_115758.3, residues 39-59): QWRERPDVGR[Tyr49His]LRELSGSGLE